The following is an entry in ClinVar:

ClinVar aggregate classification (germline): Uncertain significance. Review status: criteria provided, multiple submitters, no conflicts (2 of 4 stars). 3 submissions from 3 submitters: Uncertain significance (2). 1 of the submissions does not count toward it. Last evaluated 2025-11-25.

Allele frequency attached by ClinVar (database versions not stated): ExAC 0.00001; gnomAD exomes 0.00001; gnomAD 0.00002; TOPMed 0.00002.
gnomAD v4.1: 17 of 1,614,070 alleles (0.0011%); highest among the groups gnomAD compares: Admixed American, 0.005%; no homozygotes.

Submissions (3):

Ambry Genetics
Classification: Uncertain significance. Last evaluated: 2025-11-25. Review status: criteria provided, single submitter. Criteria: Ambry Variant Classification Scheme 2023. Collection method: clinical testing. Allele origin: germline.
Comment: The p.P650L variant (also known as c.1949C>T), located in coding exon 13 of the RINT1 gene, results from a C to T substitution at nucleotide position 1949. The proline at codon 650 is replaced by leucine, an amino acid with similar properties. This variant has been identified in numerous breast cancer cohorts as well as unaffected control groups across studies (Park DJ et al. Cancer Discov, 2014 Jul;4:804-15; Young EL et al. J Med Genet, 2016 06;53:366-76; Dorling et al. N Engl J Med. 2021 02;384:428-439). This amino acid position is highly conserved in available vertebrate species. In addition, the in silico prediction for this alteration is inconclusive. Since supporting evidence is limited at this time, the clinical significance of this alteration remains unclear.

Labcorp Genetics (formerly Invitae), Labcorp
Classification: Uncertain significance. Last evaluated: 2023-12-14. Review status: criteria provided, single submitter. Criteria: Invitae Variant Classification Sherloc (09022015). Collection method: clinical testing. Allele origin: germline.
Comment: This sequence change replaces proline, which is neutral and non-polar, with leucine, which is neutral and non-polar, at codon 650 of the RINT1 protein (p.Pro650Leu). This variant is present in population databases (rs778220756, gnomAD 0.01%). This missense change has been observed in individual(s) with breast cancer (PMID: 25050558). ClinVar contains an entry for this variant (Variation ID: 1015531). An algorithm developed to predict the effect of missense changes on protein structure and function (PolyPhen-2) suggests that this variant is likely to be disruptive. In summary, the available evidence is currently insufficient to determine the role of this variant in disease. Therefore, it has been classified as a Variant of Uncertain Significance.

Department of Pathology and Laboratory Medicine, Sinai Health System
Classification: Uncertain significance. Review status: no assertion criteria provided. Collection method: clinical testing. Allele origin: unknown. Affected: yes. Study: The Canadian Open Genetics Repository (COGR). Not counted in ClinVar's aggregate classification.
Comment: The RINT1 p.Pro309Leu variant was identified in 1 of 2626 proband chromosomes (frequency: 0.00038) from individuals with breast cancer and was not identified in 2246 control chromosomes from healthy individuals (Park_2014_PMID:25050558). The variant was identified in dbSNP (ID: rs778220756) but was not identified in ClinVar. The variant was identified in control databases in 3 of 268302 chromosomes at a frequency of 0.00001118 (Genome Aggregation Database March 6, 2019, v2.1.1, non-cancer). The variant was observed in the following populations: East Asian in 2 of 19252 chromosomes (freq: 0.000104) and European (non-Finnish) in 1 of 118138 chromosomes (freq: 0.000008), but was not observed in the African, Latino, Ashkenazi Jewish, European (Finnish), Other, or South Asian populations. The p.Pro309 residue is conserved in mammals but not in more distantly related organisms, and four out of five computational analyses (PolyPhen-2, SIFT, AlignGVGD, BLOSUM, MutationTaster) suggest that the variant may impact the protein; however, this information is not predictive enough to assume pathogenicity. The variant occurs outside of the splicing consensus sequence and in silico or computational prediction software programs (SpliceSiteFinder, MaxEntScan, NNSPLICE, GeneSplicer) do not predict a difference in splicing. In summary, based on the above information the clinical significance of this variant cannot be determined with certainty at this time. This variant is classified as a variant of uncertain significance.

Literature cited by the submitters: PubMed 25050558 (cited by Ambry Genetics and Labcorp Genetics (formerly Invitae), Labcorp); PubMed 26787654 (cited by Ambry Genetics); PubMed 33471991 (cited by Ambry Genetics).

NM_021930.6(RINT1):c.1949C>T (p.Pro650Leu)

Genes: EFCAB10 (EF-hand calcium binding domain 10; minus strand), RINT1 (RAD50 interactor 1; plus strand). Cytogenetic location: 7q22.3.
Variant type: single nucleotide variant.
Coding change: c.1949C>T on transcript NM_021930.6 (MANE Select); coding-DNA position 1949, C replaced by T.
Protein change: p.Pro650Leu; replaces proline 650 with leucine.
Molecular consequence: missense variant. On other transcripts: 3 prime UTR variant (3), non-coding transcript variant (1).
Genome position (GRCh38, 1-based): chr7:105,565,339, C>T. VCF-style: chr7-105565339-C-T. GRCh37 (hg19) VCF-style: chr7-105205786-C-T.
Other names: c.*108G>A (NM_001355526.2); c.*210G>A (NM_001355530.2); c.*63G>A (NM_001355531.2); c.1715C>T, p.Pro572Leu (NM_001346599.2); c.926C>T, p.Pro309Leu (NM_001346600.2, NM_001346603.2); c.1025C>T, p.Pro342Leu (NM_001346601.2); short protein forms P309L, P342L, P572L, P650L.
Identifiers: ClinVar variation 1015531 (VCV001015531.13), dbSNP rs778220756, ClinGen allele CA4426818.